The following is an entry in ClinVar:

ClinVar aggregate classification (germline): Pathogenic/Likely pathogenic. Review status: criteria provided, multiple submitters, no conflicts (2 of 4 stars). 5 submissions from 5 submitters: Pathogenic (2); Likely pathogenic (3). Last evaluated 2024-07-12.

Conditions:
Joubert syndrome and related disorders. Identifiers: Orphanet 140874, MedGen C5679612, MONDO:0015369.
Joubert syndrome 3 (JBTS3). Also called: AHI1-related Ciliopathy. Identifiers: Orphanet 220493, MedGen C1837713, MONDO:0012078, OMIM 608629.
AHI1-related disorder. Also called: AHI1-related condition.
Joubert syndrome. Also called: Familial aplasia of the vermis; JOUBERT-BOLTSHAUSER SYNDROME. Identifiers: Orphanet 475, MedGen C5979921, MONDO:0018772.

Submissions (5):

Women's Health and Genetics/Laboratory Corporation of America, LabCorp
Classification: Pathogenic for Joubert syndrome and related disorders. Last evaluated: 2024-07-12. Review status: criteria provided, single submitter. Criteria: LabCorp Variant Classification Summary - May 2015. Collection method: clinical testing. Allele origin: germline.
Comment: Variant summary: AHI1 c.101delA (p.Lys34ArgfsX23) results in a premature termination codon, predicted to cause a truncation of the encoded protein or absence of the protein due to nonsense mediated decay, which are commonly known mechanisms for disease. The variant allele was found at a frequency of 1.6e-05 in 249070 control chromosomes. To our knowledge, no occurrence of c.101delA in individuals affected with Joubert Syndrome And Related Disorders and no experimental evidence demonstrating its impact on protein function have been reported. ClinVar contains an entry for this variant (Variation ID: 2168890). Based on the evidence outlined above, the variant was classified as pathogenic.

Fulgent Genetics
Classification: Likely pathogenic for Joubert syndrome 3. Last evaluated: 2024-06-05. Review status: criteria provided, single submitter. Criteria: ACMG Guidelines, 2015. Collection method: clinical testing. Allele origin: germline.

Labcorp Genetics (formerly Invitae), Labcorp
Classification: Pathogenic for Joubert syndrome. Last evaluated: 2024-04-12. Review status: criteria provided, single submitter. Criteria: Invitae Variant Classification Sherloc (09022015). Collection method: clinical testing. Allele origin: germline.
Comment: This sequence change creates a premature translational stop signal (p.Lys34Argfs*23) in the AHI1 gene. It is expected to result in an absent or disrupted protein product. Loss-of-function variants in AHI1 are known to be pathogenic (PMID: 15322546, 16453322, 28442542, 29186038). This variant is present in population databases (rs777527386, gnomAD 0.003%). This variant has not been reported in the literature in individuals affected with AHI1-related conditions. ClinVar contains an entry for this variant (Variation ID: 2168890). For these reasons, this variant has been classified as Pathogenic.

GeneDx
Classification: Likely pathogenic. Last evaluated: 2024-04-05. Review status: criteria provided, single submitter. Criteria: GeneDx Variant Classification Process June 2021. Collection method: clinical testing. Allele origin: germline. Affected: yes.
Comment: Reported in a large cohort of adults who underwent whole genome sequencing, but no clinical information was provided (PMID: 31980526); Frameshift variant predicted to result in protein truncation or nonsense mediated decay in a gene for which loss of function is a known mechanism of disease; Not observed at significant frequency in large population cohorts (gnomAD); This variant is associated with the following publications: (PMID: 31964843, 31980526)

Blueprint Genetics
Classification: Likely pathogenic for AHI1-related disorders. Last evaluated: 2021-03-09. Review status: criteria provided, single submitter. Criteria: ACMG Guidelines, 2015. Collection method: clinical testing. Allele origin: germline. Affected: yes. Observed: 5 variant alleles.

Literature cited by the submitters: PubMed 15322546 (cited by Labcorp Genetics (formerly Invitae), Labcorp); PubMed 16453322 (cited by Labcorp Genetics (formerly Invitae), Labcorp); PubMed 28442542 (cited by Labcorp Genetics (formerly Invitae), Labcorp); PubMed 29186038 (cited by Labcorp Genetics (formerly Invitae), Labcorp).

NM_001134831.2(AHI1):c.101del (p.Lys34fs)

Gene: AHI1 (Abelson helper integration site 1; minus strand). Cytogenetic location: 6q23.3.
Variant type: Deletion.
Coding change: c.101del on transcript NM_001134831.2 (MANE Select); coding-DNA position 101, one base deleted (A; older notation c.101delA).
Protein change: p.Lys34fs; shifts the reading frame from lysine 34.
Molecular consequence: frameshift variant.
Genome position (GRCh38, 1-based): chr6:135,490,657, T deleted on the plus strand (A on the coding strand, the reverse complement: AHI1 is on the minus strand); the first of 2 consecutive T bases (chr6:135,490,657-135,490,658); deleting either gives the same sequence. VCF-style (leftmost placement, unchanged base first): chr6-135490656-CT-C. GRCh37 (hg19) VCF-style: chr6-135811794-CT-C.
Other names: c.101del, p.Lys34fs (NM_001134832.2, NM_001350503.2, NM_001134830.2 and 2 more transcripts); c.101delA (NM_017651.5); c.101del (NM_017651.4); short protein forms K34fs.
Identifiers: ClinVar variation 2168890 (VCV002168890.8), dbSNP rs777527386, ClinGen allele CA4012951.